The following is an entry in ClinVar:

NM_012144.4(DNAI1):c.814C>T (p.Gln272Ter)

Gene: DNAI1 (dynein axonemal intermediate chain 1; plus strand). Cytogenetic location: 9p13.3.
Variant type: single nucleotide variant.
Coding change: c.814C>T on transcript NM_012144.4 (MANE Select); coding-DNA position 814, C replaced by T.
Protein change: p.Gln272Ter; replaces glutamine 272 with a stop codon.
Molecular consequence: nonsense.
Genome position (GRCh38, 1-based): chr9:34,493,326, C>T. VCF-style: chr9-34493326-C-T. GRCh37 (hg19) VCF-style: chr9-34493324-C-T.
Other names: c.826C>T, p.Gln276Ter (NM_001281428.2); short protein forms Q276*, Q272*.
Identifiers: ClinVar variation 3704399 (VCV003704399.2).

ClinVar aggregate classification (germline): Pathogenic (1 of 4 stars; one submission).

Conditions:
Primary ciliary dyskinesia. Also called: Ciliary dyskinesia. Identifiers: Orphanet 244, MedGen C0008780, MONDO:0016575, HP:0012265.

gnomAD v4.1: 3 of 1,613,932 alleles (0.00019%); highest among the groups gnomAD compares: Non-Finnish European, 0.00025%; no homozygotes.

Submission:

Labcorp Genetics (formerly Invitae), Labcorp
Classification: Pathogenic for Primary ciliary dyskinesia. Last evaluated: 2024-01-28. Review status: criteria provided, single submitter. Criteria: Invitae Variant Classification Sherloc (09022015). Collection method: clinical testing. Allele origin: germline.
Comment: This sequence change creates a premature translational stop signal (p.Gln272*) in the DNAI1 gene. It is expected to result in an absent or disrupted protein product. Loss-of-function variants in DNAI1 are known to be pathogenic (PMID: 16858015, 29363216). This variant is present in population databases (no rsID available, gnomAD 0.0009%). This premature translational stop signal has been observed in individual(s) with primary ciliary dyskinesia (PMID: 29363216). Algorithms developed to predict the effect of sequence changes on RNA splicing suggest that this variant may disrupt the consensus splice site. For these reasons, this variant has been classified as Pathogenic.

Literature cited by the submitters: PubMed 16858015; PubMed 29363216.